The following is an entry in ClinVar:

ClinVar aggregate classification (germline): Pathogenic. Review status: criteria provided, multiple submitters, no conflicts (2 of 4 stars). 6 submissions from 6 submitters: Pathogenic (4). 2 of the submissions do not count toward it. Last evaluated 2024-06-11.

Conditions:
Hematuria, benign familial, 1 (BFH1). Also called: THIN MEMBRANE NEPHROPATHY. Identifiers: MedGen CN376803, MONDO:0007709, OMIM 141200.
Autosomal recessive Alport syndrome (ATS2). Also called: COL4A3-Related Nephropathy; COL4A4 Alport Syndrome and Thin Basement Membrane Nephropathy; ALPORT SYNDROME 2, AUTOSOMAL RECESSIVE; Alport syndrome type 2. Identifiers: Orphanet 63, Orphanet 88919, MedGen C4746745, MONDO:0008762, OMIM 203780.
COL4A4-related disorder.
Alport syndrome. Also called: Hemorrhagic familial nephritis; Hemorrhagic hereditary nephritis; Congenital hereditary hematuria. Identifiers: Orphanet 63, MedGen C1567741, MONDO:0018965.

Allele frequency attached by ClinVar (database versions not stated): gnomAD exomes below 0.00001; TOPMed below 0.00001; gnomAD 0.00001.
gnomAD v4.1: 3 of 1,608,952 alleles (0.00019%); highest among the groups gnomAD compares: Non-Finnish European, 0.00026%; no homozygotes.

Submissions (6):

Labcorp Genetics (formerly Invitae), Labcorp
Classification: Pathogenic. Last evaluated: 2024-06-11. Review status: criteria provided, single submitter. Criteria: Invitae Variant Classification Sherloc (09022015). Collection method: clinical testing. Allele origin: germline.
Comment: This sequence change affects a donor splice site in intron 7 of the COL4A4 gene. It is expected to disrupt RNA splicing. Variants that disrupt the donor or acceptor splice site typically lead to a loss of protein function (PMID: 16199547), and loss-of-function variants in COL4A4 are known to be pathogenic (PMID: 21196518, 24854265, 25307543). This variant is not present in population databases (gnomAD no frequency). Disruption of this splice site has been observed in individuals with clinical features of Alport syndrome (PMID: 28632965; Invitae). It has also been observed to segregate with disease in related individuals. ClinVar contains an entry for this variant (Variation ID: 562437). Algorithms developed to predict the effect of sequence changes on RNA splicing suggest that this variant may disrupt the consensus splice site. For these reasons, this variant has been classified as Pathogenic.

Fulgent Genetics
Classification: Pathogenic for Hematuria, benign familial, 1; Autosomal recessive Alport syndrome. Last evaluated: 2024-03-19. Review status: criteria provided, single submitter. Criteria: ACMG Guidelines, 2015. Collection method: clinical testing. Allele origin: germline.

PreventionGenetics, part of Exact Sciences
Classification: Pathogenic for COL4A4-related condition. Last evaluated: 2023-05-19. Review status: criteria provided, single submitter. Criteria: ACMG Guidelines, 2015. Collection method: clinical testing. Allele origin: germline.
Comment: The COL4A4 c.489+1G>A variant is predicted to disrupt the GT donor site and interfere with normal splicing. This variant was reported in heterozygous state in an individual with glomerulopathy (Table S7, patient CKD292, Groopman et al. 2019. PubMed ID: 30586318). This variant has not been reported in a large population database, indicating this variant is rare. Variants that disrupt the consensus splice donor site in COL4A4 are expected to be pathogenic. This variant is interpreted as pathogenic.

Division Of Personalized Genomic Medicine, Columbia University Irving Medical Center
Classification: Pathogenic for Autosomal recessive Alport syndrome. Last evaluated: 2019-09-27. Review status: criteria provided, single submitter. Criteria: ACMG Guidelines, 2015. Collection method: clinical testing. Allele origin: unknown. Inheritance: Autosomal dominant inheritance. Affected: yes. Observed: 1 heterozygote.
Comment: The c.489+1G>A variant in the COL4A4 gene is a canonical splice site variant, which affects a donor splice site in intron 7 (47 introns total; NM_000092.4). A substitution at this site could produce a protein with modified function or cause the protein not to be expressed. While it is unknown which effect on the protein this variant will cause, loss-of-function variants distal to this variant have been reported to be associated with disease. This variant has not been observed in the Genome Aggregation Database (gnomAD), indicating it is not a common benign variant in the populations represented in this database. A different splice variant at the same position, c.489+1G>C, has been reported in a heterozygous state in one family with three individuals (one parent and two offspring) with microscopic hematuria, and later onset Alport-related nephropathy progressing to end-stage renal disease, suggestive of autosomal dominant inheritance (PMID: 28632965). Based on the evidence presented, this variant is classified as pathogenic.

Natera, Inc.
Classification: Likely pathogenic for Alport syndrome. Last evaluated: 2020-03-16. Review status: no assertion criteria provided. Collection method: clinical testing. Allele origin: germline. Not counted in ClinVar's aggregate classification.

Gharavi Laboratory, Columbia University
Classification: Likely pathogenic. Last evaluated: 2018-09-16. Review status: no assertion criteria provided. Criteria: ACMG Guidelines, 2015. Collection method: research. Allele origin: germline. Affected: yes. Not counted in ClinVar's aggregate classification.

Literature cited by the submitters: PubMed 16199547 (cited by Labcorp Genetics (formerly Invitae), Labcorp); PubMed 21196518 (cited by Labcorp Genetics (formerly Invitae), Labcorp); PubMed 24854265 (cited by Labcorp Genetics (formerly Invitae), Labcorp); PubMed 25307543 (cited by Labcorp Genetics (formerly Invitae), Labcorp); PubMed 28632965 (cited by Labcorp Genetics (formerly Invitae), Labcorp and Division Of Personalized Genomic Medicine, Columbia University Irving Medical Center).

NM_000092.5(COL4A4):c.489+1G>A

Gene: COL4A4 (collagen type IV alpha 4 chain; minus strand). Cytogenetic location: 2q36.3.
Variant type: single nucleotide variant.
Coding change: c.489+1G>A on transcript NM_000092.5 (MANE Select); the canonical splice donor site of the intron after coding-DNA position 489, G replaced by A.
Molecular consequence: splice donor variant.
Genome position (GRCh38, 1-based): chr2:227,118,644, C>T on the plus strand (G>A on the coding strand, the complement: COL4A4 is on the minus strand). VCF-style: chr2-227118644-C-T. GRCh37 (hg19) VCF-style: chr2-227983360-C-T.
Other names: c.489+1G>A (NM_000092.4).
Identifiers: ClinVar variation 562437 (VCV000562437.17), dbSNP rs1040287646, ClinGen allele CA66575268.
Genomic context (GRCh38, chr2:227,118,644, plus strand): 5'-TGTTCCACCACAGGGCCTGTTCACTTAAGATTCCTGTTAAGATGAACTGTGGGTATCTTA[C>T]TAGGGGGCCTCCTGGGCCAAGAGCTCCTCTTCCTCCTGGAAACCCTGGGTCACCTCTTGA-3'